The following is an entry in ClinVar:

NM_018192.4(P3H2):c.1230G>T (p.Arg410=)

Gene: P3H2 (prolyl 3-hydroxylase 2; minus strand). Cytogenetic location: 3q28.
Variant type: single nucleotide variant.
Coding change: c.1230G>T on transcript NM_018192.4 (MANE Select); coding-DNA position 1230, G replaced by T.
Protein change: p.Arg410=; no amino-acid change (arginine 410 retained).
Molecular consequence: synonymous variant.
Genome position (GRCh38, 1-based): chr3:189,983,140, C>A on the plus strand (G>T on the coding strand, the complement: P3H2 is on the minus strand). VCF-style: chr3-189983140-C-A. GRCh37 (hg19) VCF-style: chr3-189700929-C-A.
Other names: c.687G>T, p.Arg229= (NM_001134418.2).
Identifiers: ClinVar variation 1479522 (VCV001479522.6), dbSNP rs1190293271, ClinGen allele CA437416737.

ClinVar aggregate classification (germline): Uncertain significance (1 of 4 stars; one submission).

Submission:

Labcorp Genetics (formerly Invitae), Labcorp
Classification: Uncertain significance. Last evaluated: 2021-07-18. Review status: criteria provided, single submitter. Criteria: Invitae Variant Classification Sherloc (09022015). Collection method: clinical testing. Allele origin: germline.
Comment: This sequence change affects codon 410 of the P3H2 mRNA. It is a 'silent' change, meaning that it does not change the encoded amino acid sequence of the P3H2 protein. It affects a nucleotide within the consensus splice site of the intron. This variant is not present in population databases (ExAC no frequency). This variant has not been reported in the literature in individuals affected with P3H2-related conditions. Algorithms developed to predict the effect of sequence changes on RNA splicing suggest that this variant may disrupt the consensus splice site. In summary, the available evidence is currently insufficient to determine the role of this variant in disease. Therefore, it has been classified as a Variant of Uncertain Significance.